The following is an entry in ClinVar:

Conditions:
Long QT syndrome 5 (LQT5). Identifiers: Orphanet 101016, Orphanet 768, MedGen C1867904, MONDO:0013372, OMIM 613695.

Submission:

Roden Lab, Vanderbilt University Medical Center
No classification provided (evidence only). Condition: Long QT syndrome 5. Review status: no classification provided. Collection method: in vitro. Allele origin: not applicable. Functional consequence: Effect on ion channel function.
ClinVar note: "not provided" was previously submitted as the classification for the variant. However, the classification appeared to be based only on an observation of functional data so it was converted to no classification on 2025-07-30.

NM_000219.6(KCNE1):c.263A>T (p.Gln88Leu)

Gene: KCNE1 (potassium voltage-gated channel subfamily E regulatory subunit 1; minus strand). Cytogenetic location: 21q22.12.
Variant type: single nucleotide variant.
Coding change: c.263A>T on transcript NM_000219.6 (MANE Select); coding-DNA position 263, A replaced by T.
Protein change: p.Gln88Leu; replaces glutamine 88 with leucine.
Molecular consequence: missense variant.
Genome position (GRCh38, 1-based): chr21:34,449,372, T>A on the plus strand (A>T on the coding strand, the complement: KCNE1 is on the minus strand). VCF-style: chr21-34449372-T-A. GRCh37 (hg19) VCF-style: chr21-35821670-T-A.
Other names: c.263A>T, p.Gln88Leu (NM_001127668.4, NM_001127669.4, NM_001127670.4 and 4 more transcripts); short protein forms Q88L.
Identifiers: ClinVar variation 3374476 (VCV003374476.2).
Genomic context (GRCh38, chr21:34,449,372, plus strand): 5'-ACATAGCACGACCTGTAGCTCTCCAGGACCCGGGCCTGGACATAGGCCTTGTCCTTCTCT[T>A]GCCAGGCATCGGACTCGATGTAGACGTTGAATGGGTCGTTCGAGTGCTCCAGCTTCTTGG-3'
Protein context (NP_000210.2, residues 78-98): FNVYIESDAW[Gln88Leu]EKDKAYVQAR